The following is an entry in ClinVar:

ClinVar aggregate classification (germline): Uncertain significance (1 of 4 stars; one submission).

Conditions:
Familial episodic pain syndrome with predominantly lower limb involvement. Also called: Episodic pain syndrome, familial, 3. Identifiers: Orphanet 391384, Orphanet 391392, MedGen C3809899, MONDO:0014247, OMIM 615552.
Hereditary sensory and autonomic neuropathy type 7. Also called: HSAN VII; Neuropathy, hereditary sensory and autonomic, type VII. Identifiers: Orphanet 391397, MedGen C3809882, MONDO:0014244, OMIM 615548.

gnomAD v4.1: 1 of 1,613,146 alleles (0.000062%); highest among the groups gnomAD compares: Non-Finnish European, 0.000085%; no homozygotes.

Submission:

Labcorp Genetics (formerly Invitae), Labcorp
Classification: Uncertain significance for Familial episodic pain syndrome with predominantly lower limb involvement; Hereditary sensory and autonomic neuropathy type 7. Last evaluated: 2025-09-30. Review status: criteria provided, single submitter. Criteria: Invitae Variant Classification Sherloc (09022015). Collection method: clinical testing. Allele origin: germline.
Comment: This sequence change replaces asparagine, which is neutral and polar, with isoleucine, which is neutral and non-polar, at codon 1230 of the SCN11A protein (p.Asn1230Ile). This variant is not present in population databases (gnomAD no frequency). This variant has not been reported in the literature in individuals affected with SCN11A-related conditions. Invitae Evidence Modeling of protein sequence and biophysical properties (such as structural, functional, and spatial information, amino acid conservation, physicochemical variation, residue mobility, and thermodynamic stability) indicates that this missense variant is not expected to disrupt SCN11A protein function with a negative predictive value of 80%. In summary, the available evidence is currently insufficient to determine the role of this variant in disease. Therefore, it has been classified as a Variant of Uncertain Significance.

NM_001349253.2(SCN11A):c.3689A>T (p.Asn1230Ile)

Genes: SCN11A (sodium voltage-gated channel alpha subunit 11; minus strand), LOC126806652 (CDK7 strongly-dependent group 2 enhancer GRCh37_chr3:38912374-38913573; plus strand). Cytogenetic location: 3p22.2.
Variant type: single nucleotide variant.
Coding change: c.3689A>T on transcript NM_001349253.2 (MANE Select); coding-DNA position 3689, A replaced by T.
Protein change: p.Asn1230Ile; replaces asparagine 1230 with isoleucine.
Molecular consequence: missense variant.
Genome position (GRCh38, 1-based): chr3:38,871,515, T>A on the plus strand (A>T on the coding strand, the complement: SCN11A is on the minus strand). VCF-style: chr3-38871515-T-A. GRCh37 (hg19) VCF-style: chr3-38913006-T-A.
Other names: c.3689A>T, p.Asn1230Ile (NM_014139.3); short protein forms N1230I.
Identifiers: ClinVar variation 4783041 (VCV004783041.1).